The following is an entry in ClinVar:

NM_002473.6(MYH9):c.2807C>A (p.Ala936Glu)

Genes: MYH9 (myosin heavy chain 9; minus strand), LOC126863137 (CDK7 strongly-dependent group 2 enhancer GRCh37_chr22:36696002-36697201; plus strand). Cytogenetic location: 22q12.3.
Variant type: single nucleotide variant.
Coding change: c.2807C>A on transcript NM_002473.6 (MANE Select); coding-DNA position 2807, C replaced by A.
Protein change: p.Ala936Glu; replaces alanine 936 with glutamic acid.
Molecular consequence: missense variant.
Genome position (GRCh38, 1-based): chr22:36,300,882, G>T on the plus strand (C>A on the coding strand, the complement: MYH9 is on the minus strand). VCF-style: chr22-36300882-G-T. GRCh37 (hg19) VCF-style: chr22-36696928-G-T.
Other names: short protein forms A936E.
Identifiers: ClinVar variation 3647454 (VCV003647454.2).

ClinVar aggregate classification (germline): Uncertain significance (1 of 4 stars; one submission).

Submission:

Labcorp Genetics (formerly Invitae), Labcorp
Classification: Uncertain significance. Last evaluated: 2024-03-24. Review status: criteria provided, single submitter. Criteria: Invitae Variant Classification Sherloc (09022015). Collection method: clinical testing. Allele origin: germline.
Comment: This sequence change replaces alanine, which is neutral and non-polar, with glutamic acid, which is acidic and polar, at codon 936 of the MYH9 protein (p.Ala936Glu). This variant is not present in population databases (gnomAD no frequency). This variant has not been reported in the literature in individuals affected with MYH9-related conditions. Advanced modeling of protein sequence and biophysical properties (such as structural, functional, and spatial information, amino acid conservation, physicochemical variation, residue mobility, and thermodynamic stability) performed at Invitae indicates that this missense variant is not expected to disrupt MYH9 protein function with a negative predictive value of 95%. In summary, the available evidence is currently insufficient to determine the role of this variant in disease. Therefore, it has been classified as a Variant of Uncertain Significance.